The following is an entry in ClinVar:

NM_032242.4(PLXNA1):c.329G>A (p.Ser110Asn)

Gene: PLXNA1 (plexin A1; plus strand). Cytogenetic location: 3q21.3.
Variant type: single nucleotide variant.
Coding change: c.329G>A on transcript NM_032242.4 (MANE Select); coding-DNA position 329, G replaced by A.
Protein change: p.Ser110Asn; replaces serine 110 with asparagine.
Molecular consequence: missense variant.
Genome position (GRCh38, 1-based): chr3:126,988,922, G>A. VCF-style: chr3-126988922-G-A. GRCh37 (hg19) VCF-style: chr3-126707765-G-A.
Other names: c.329G>A (NM_032242.3); short protein forms S110N.
Identifiers: ClinVar variation 2063862 (VCV002063862.6), dbSNP rs151164953, ClinGen allele CA2592968.
Genomic context (GRCh38, chr3:126,988,922, plus strand): 5'-AGGACAACGAGAAGTGCTACCCGCCGCCCAGCGTGCAGTCCTGCCCCCACGGCCTGGGCA[G>A]TACTGACAACGTCAACAAGCTGCTGCTGCTGGACTATGCCGCTAACCGCCTGCTGGCCTG-3'
Protein context (NP_115618.3, residues 100-120): SVQSCPHGLG[Ser110Asn]TDNVNKLLLL

ClinVar aggregate classification (germline): Uncertain significance. Review status: criteria provided, multiple submitters, no conflicts (2 of 4 stars). 3 submissions from 3 submitters: Uncertain significance (2). 1 of the submissions does not count toward it. Last evaluated 2025-12-30.

Conditions:
PLXNA1-related disorder. Also called: PLXNA1-related condition.

Allele frequency attached by ClinVar (database versions not stated): ESP Exome Variant Server 0.00108; gnomAD exomes 0.00149; 1000 Genomes Project 0.00040; 1000 Genomes Project 30x 0.00047; ExAC 0.00083; gnomAD 0.00090.
gnomAD v4.1: 2,288 of 1,613,242 alleles (0.14%); highest among the groups gnomAD compares: Non-Finnish European, 0.18%; 3 homozygotes.

Submissions (3):

Labcorp Genetics (formerly Invitae), Labcorp
Classification: Uncertain significance. Last evaluated: 2025-12-30. Review status: criteria provided, single submitter. Criteria: Invitae Variant Classification Sherloc (09022015). Collection method: clinical testing. Allele origin: germline.
Comment: This sequence change replaces serine, which is neutral and polar, with asparagine, which is neutral and polar, at codon 110 of the PLXNA1 protein (p.Ser110Asn). This variant is present in population databases (rs151164953, gnomAD 0.1%), and has an allele count higher than expected for a pathogenic variant. This variant has not been reported in the literature in individuals affected with PLXNA1-related conditions. ClinVar contains an entry for this variant (Variation ID: 2063862). An algorithm developed to predict the effect of missense changes on protein structure and function (PolyPhen-2) suggests that this variant is likely to be tolerated. In summary, the available evidence is currently insufficient to determine the role of this variant in disease. Therefore, it has been classified as a Variant of Uncertain Significance.

Women's Health and Genetics/Laboratory Corporation of America, LabCorp
Classification: Uncertain significance. Last evaluated: 2024-01-19. Review status: criteria provided, single submitter. Criteria: LabCorp Variant Classification Summary - May 2015. Collection method: clinical testing. Allele origin: germline.
Comment: Variant summary: PLXNA1 c.329G>A (p.Ser110Asn) results in a conservative amino acid change located in the Sema domain (IPR001627) of the encoded protein sequence. Four of five in-silico tools predict a benign effect of the variant on protein function. The variant allele was found at a frequency of 0.00085 in 250372 control chromosomes, predominantly at a frequency of 0.0015 within the Non-Finnish European subpopulation in the gnomAD database. To our knowledge, no occurrence of c.329G>A in individuals affected with Dworschak-Punetha Neurodevelopmental Syndrome and no experimental evidence demonstrating its impact on protein function have been reported. ClinVar contains an entry for this variant (Variation ID: 2063862, VUS). Based on the evidence outlined above, the variant was classified as uncertain significance.

PreventionGenetics, part of Exact Sciences
Classification: Likely benign for PLXNA1-related condition. Last evaluated: 2024-01-22. Review status: no assertion criteria provided. Collection method: clinical testing. Allele origin: germline. Not counted in ClinVar's aggregate classification.
Comment: This variant is classified as likely benign based on ACMG/AMP sequence variant interpretation guidelines (Richards et al. 2015 PMID: 25741868, with internal and published modifications).